The following is an entry in ClinVar:

ClinVar aggregate classification (germline): Uncertain significance (1 of 4 stars; one submission).

Conditions:
CHD7-related disorder. Also called: CHD7-related condition.

Allele frequency attached by ClinVar (database versions not stated): TOPMed 0.00001.
gnomAD v4.1: 26 of 1,613,212 alleles (0.0016%); highest among the groups gnomAD compares: Non-Finnish European, 0.0022%; no homozygotes.

Submission:

PreventionGenetics, part of Exact Sciences
Classification: Uncertain significance for CHD7-related condition. Last evaluated: 2023-06-13. Review status: criteria provided, single submitter. Criteria: ACMG Guidelines, 2015. Collection method: clinical testing. Allele origin: germline.
Comment: The CHD7 c.5287G>A variant is predicted to result in the amino acid substitution p.Gly1763Ser. To our knowledge, this variant has not been reported in the literature. This variant is reported in 0.00089% of alleles in individuals of European (Non-Finnish) descent in gnomAD. At this time, the clinical significance of this variant is uncertain due to the absence of conclusive functional and genetic evidence.

NM_017780.4(CHD7):c.5287G>A (p.Gly1763Ser)

Gene: CHD7 (chromodomain helicase DNA binding protein 7; plus strand). Cytogenetic location: 8q12.2.
Variant type: single nucleotide variant.
Coding change: c.5287G>A on transcript NM_017780.4 (MANE Select); coding-DNA position 5287, G replaced by A.
Protein change: p.Gly1763Ser; replaces glycine 1763 with serine.
Molecular consequence: missense variant. On other transcripts: intron variant (1).
Genome position (GRCh38, 1-based): chr8:60,848,591, G>A. VCF-style: chr8-60848591-G-A. GRCh37 (hg19) VCF-style: chr8-61761150-G-A.
Other names: c.1717-13638G>A (NM_001316690.1); short protein forms G1763S.
Identifiers: ClinVar variation 2636675 (VCV002636675.1), dbSNP rs774818972, ClinGen allele CA4760317.